The following is an entry in ClinVar:

NM_000531.6(OTC):c.17G>A (p.Arg6Lys)

Gene: OTC (ornithine transcarbamylase; plus strand). Cytogenetic location: Xp11.4.
Variant type: single nucleotide variant.
Coding change: c.17G>A on transcript NM_000531.6 (MANE Select); coding-DNA position 17, G replaced by A.
Protein change: p.Arg6Lys; replaces arginine 6 with lysine.
Molecular consequence: missense variant.
Genome position (GRCh38, 1-based): chrX:38,352,713, G>A. VCF-style: chrX-38352713-G-A. GRCh37 (hg19) VCF-style: chrX-38211966-G-A.
Other names: c.17G>A, p.Arg6Lys (NM_001407092.1); short protein forms R6K.
Identifiers: ClinVar variation 3242091 (VCV003242091.1), dbSNP rs2519941871.

ClinVar aggregate classification (germline): Uncertain significance (1 of 4 stars; one submission).

Conditions:
Ornithine carbamoyltransferase deficiency (OTCD). Also called: ORNITHINE TRANSCARBAMYLASE DEFICIENCY; ORNITHINE TRANSCARBAMYLASE DEFICIENCY, HYPERAMMONEMIA DUE TO; Ornithine Carbamoyltransferase Deficiency Disease; OTC DEFICIENCY. Identifiers: Orphanet 664, MedGen C0268542, MONDO:0010703, OMIM 311250.

Allele frequency attached by ClinVar (database versions not stated): gnomAD exomes below 0.00001.
gnomAD v4.1: 1 of 1,205,305 alleles (0.000083%); highest among the groups gnomAD compares: Non-Finnish European, 0.00011%; no homozygotes.

Submission:

Neuberg Centre For Genomic Medicine, NCGM
Classification: Uncertain significance for Ornithine carbamoyltransferase deficiency. Review status: criteria provided, single submitter. Criteria: ACMG Guidelines, 2015. Collection method: clinical testing. Allele origin: germline. Inheritance: X-linked inheritance. Affected: yes.
Comment: The observed missense c.17G>A(p.Arg6Lys) variant in OTC gene has not been reported previously as a pathogenic variant nor a benign variant, to our knowledge. The p.Arg6Lys variant is absent in gnomAD Exomes. This variant has not been submitted to the ClinVar database. The amino acid change p.Arg6Lys in OTC is predicted as conserved by GERP++ and PhyloP across 100 vertebrates. The amino acid Arg at position 6 is changed to a Lys changing protein sequence and it might alter its composition and physico-chemical properties. For these reasons, this variant has been classified as a Variant of Uncertain Significance (VUS).